The following is an entry in ClinVar:

ClinVar aggregate classification (germline): Uncertain significance. Review status: criteria provided, multiple submitters, no conflicts (2 of 4 stars). 2 submissions from 2 submitters: Uncertain significance (2). Last evaluated 2025-11-18.

Conditions:
Amyotrophic lateral sclerosis type 19. Identifiers: Orphanet 803, MedGen C3715155, MONDO:0014223, OMIM 615515.

Allele frequency attached by ClinVar (database versions not stated): gnomAD exomes 0.00002; ExAC 0.00002; TOPMed 0.00006; gnomAD 0.00007; ESP Exome Variant Server 0.00008.
gnomAD v4.1: 51 of 1,613,772 alleles (0.0032%); highest among the groups gnomAD compares: Middle Eastern, 0.15%; no homozygotes.

Submissions (2):

Labcorp Genetics (formerly Invitae), Labcorp
Classification: Uncertain significance. Last evaluated: 2025-11-18. Review status: criteria provided, single submitter. Criteria: Invitae Variant Classification Sherloc (09022015). Collection method: clinical testing. Allele origin: germline.
Comment: This sequence change replaces threonine, which is neutral and polar, with methionine, which is neutral and non-polar, at codon 731 of the ERBB4 protein (p.Thr731Met). This variant is present in population databases (rs374970657, gnomAD 0.006%). This variant has not been reported in the literature in individuals affected with ERBB4-related conditions. ClinVar contains an entry for this variant (Variation ID: 1030895). Invitae Evidence Modeling of protein sequence and biophysical properties (such as structural, functional, and spatial information, amino acid conservation, physicochemical variation, residue mobility, and thermodynamic stability) has been performed for this missense variant. However, the output from this modeling did not meet the statistical confidence thresholds required to predict the impact of this variant on ERBB4 protein function. In summary, the available evidence is currently insufficient to determine the role of this variant in disease. Therefore, it has been classified as a Variant of Uncertain Significance.

Baylor Genetics
Classification: Uncertain significance for Amyotrophic lateral sclerosis type 19. Last evaluated: 2020-05-05. Review status: criteria provided, single submitter. Criteria: ACMG Guidelines, 2015. Collection method: clinical testing. Allele origin: unknown. Affected: yes.
Comment: This variant was determined to be of uncertain significance according to ACMG Guidelines, 2015 [PMID:25741868].

NM_005235.3(ERBB4):c.2192C>T (p.Thr731Met)

Gene: ERBB4 (erb-b2 receptor tyrosine kinase 4; minus strand). Cytogenetic location: 2q34.
Variant type: single nucleotide variant.
Coding change: c.2192C>T on transcript NM_005235.3 (MANE Select); coding-DNA position 2192, C replaced by T.
Protein change: p.Thr731Met; replaces threonine 731 with methionine.
Molecular consequence: missense variant.
Genome position (GRCh38, 1-based): chr2:211,623,932, G>A on the plus strand (C>T on the coding strand, the complement: ERBB4 is on the minus strand). VCF-style: chr2-211623932-G-A. GRCh37 (hg19) VCF-style: chr2-212488657-G-A.
Other names: c.2192C>T, p.Thr731Met (NM_001042599.2); short protein forms T731M.
Identifiers: ClinVar variation 1030895 (VCV001030895.4), dbSNP rs374970657, ClinGen allele CA2087830.